The following is an entry in ClinVar:

ClinVar aggregate classification (germline): Uncertain significance. Review status: criteria provided, multiple submitters, no conflicts (2 of 4 stars). 2 submissions from 2 submitters: Uncertain significance (2). Last evaluated 2026-03-17.

Conditions:
DMXL2-related disorder. Also called: DMXL2-related condition.

Allele frequency attached by ClinVar (database versions not stated): gnomAD exomes below 0.00001; ExAC 0.00001; gnomAD 0.00001 and 0.00002; TOPMed 0.00003; 1000 Genomes Project 30x 0.00016; 1000 Genomes Project 0.00020.
gnomAD v4.1: 7 of 1,613,118 alleles (0.00043%); highest among the groups gnomAD compares: African/African-American, 0.004%; no homozygotes.

Submissions (2):

PreventionGenetics, part of Exact Sciences
Classification: Uncertain significance for DMXL2-related condition. Last evaluated: 2026-03-17. Review status: criteria provided, single submitter. Criteria: ACMG Guidelines, 2015. Collection method: clinical testing. Allele origin: germline.
Comment: The DMXL2 c.4995T>G variant is predicted to result in the amino acid substitution p.Asp1665Glu. To our knowledge, this variant has not been reported in the literature. This variant is reported in 0.0062% of alleles in individuals of African descent in gnomAD. At this time, the clinical significance of this variant is uncertain due to the absence of conclusive functional and genetic evidence.

Labcorp Genetics (formerly Invitae), Labcorp
Classification: Uncertain significance. Last evaluated: 2022-07-06. Review status: criteria provided, single submitter. Criteria: Invitae Variant Classification Sherloc (09022015). Collection method: clinical testing. Allele origin: germline.
Comment: This sequence change replaces aspartic acid, which is acidic and polar, with glutamic acid, which is acidic and polar, at codon 1665 of the DMXL2 protein (p.Asp1665Glu). This variant is present in population databases (rs545604038, gnomAD 0.007%). This variant has not been reported in the literature in individuals affected with DMXL2-related conditions. ClinVar contains an entry for this variant (Variation ID: 1413251). Algorithms developed to predict the effect of missense changes on protein structure and function are either unavailable or do not agree on the potential impact of this missense change (SIFT: "Tolerated"; PolyPhen-2: "Probably Damaging"; Align-GVGD: "Class C0"). In summary, the available evidence is currently insufficient to determine the role of this variant in disease. Therefore, it has been classified as a Variant of Uncertain Significance.

NM_001378457.1(DMXL2):c.4995T>G (p.Asp1665Glu)

Gene: DMXL2 (Dmx like 2; minus strand). Cytogenetic location: 15q21.2.
Variant type: single nucleotide variant.
Coding change: c.4995T>G on transcript NM_001378457.1 (MANE Select); coding-DNA position 4995, T replaced by G.
Protein change: p.Asp1665Glu; replaces aspartic acid 1665 with glutamic acid.
Molecular consequence: missense variant. On other transcripts: non-coding transcript variant (2).
Genome position (GRCh38, 1-based): chr15:51,488,604, A>C on the plus strand (T>G on the coding strand, the complement: DMXL2 is on the minus strand). VCF-style: chr15-51488604-A-C. GRCh37 (hg19) VCF-style: chr15-51780801-A-C.
Other names: c.4995T>G (NM_001174116.1); c.4995T>G, p.Asp1665Glu (NM_001174116.3, NM_001378458.1, NM_001378459.1 and 4 more transcripts); c.3087T>G, p.Asp1029Glu (NM_001174117.3); c.2976T>G, p.Asp992Glu (NM_001378460.1); c.4755T>G, p.Asp1585Glu (NM_001378464.1); short protein forms D1665E, D1029E, D992E, D1585E.
Identifiers: ClinVar variation 1413251 (VCV001413251.6), dbSNP rs545604038, ClinGen allele CA7561889.
Genomic context (GRCh38, chr15:51,488,604, plus strand): 5'-TTACCTAAACAGACCCCACACTACTGCTTTCTTCTTCATTGAAAGGTAGAATAGTGCAGC[A>C]TCTAAGGCATCATTGTTCCTTTGAAAAGAAGCTTTGGCAACCTAAATGATAAATAAAATA-3'
Protein context (NP_001365386.1, residues 1655-1675): ASFQRNNDAL[Asp1665Glu]AALFYLSMKK